The following is an entry in ClinVar:

NM_006912.6(RIT1):c.164-21_164-16del

Gene: RIT1 (Ras like without CAAX 1; minus strand). Cytogenetic location: 1q22.
Variant type: Deletion.
Coding change: c.164-21_164-16del on transcript NM_006912.6 (MANE Select); 21 bases into the intron before coding-DNA position 164 through 16 bases into the intron before coding-DNA position 164, 6 bases deleted (CACCTT; older notation c.164-21_164-16delCACCTT).
Molecular consequence: intron variant.
Genome position (GRCh38, 1-based): chr1:155,904,820-155,904,825, AAGGTG deleted on the plus strand (CACCTT on the coding strand, the reverse complement: RIT1 is on the minus strand). VCF-style (leftmost placement, unchanged base first): chr1-155904819-AAAGGTG-A. GRCh37 (hg19) VCF-style: chr1-155874610-AAAGGTG-A.
Other names: c.56-21_56-16del (NM_001256820.2); c.215-21_215-16del (NM_001256821.2).
Identifiers: ClinVar variation 3700508 (VCV003700508.2).

ClinVar aggregate classification (germline): Uncertain significance (1 of 4 stars; one submission).

Conditions:
Noonan syndrome 8 (NS8). Identifiers: Orphanet 648, MedGen C3809233, MONDO:0014143, OMIM 615355.

Submission:

Labcorp Genetics (formerly Invitae), Labcorp
Classification: Uncertain significance for Noonan syndrome 8. Last evaluated: 2025-01-02. Review status: criteria provided, single submitter. Criteria: Invitae Variant Classification Sherloc (09022015). Collection method: clinical testing. Allele origin: germline.
Comment: This sequence change falls in intron 3 of the RIT1 gene. It does not directly change the encoded amino acid sequence of the RIT1 protein. This variant is not present in population databases (gnomAD no frequency). This variant has not been reported in the literature in individuals affected with RIT1-related conditions. Algorithms developed to predict the effect of sequence changes on RNA splicing suggest that this variant may disrupt the consensus splice site. In summary, the available evidence is currently insufficient to determine the role of this variant in disease. Therefore, it has been classified as a Variant of Uncertain Significance.